The following is an entry in ClinVar:

NM_001012710.2(KRTAP5-10):c.378C>G (p.Ser126=)

Gene: KRTAP5-10 (keratin associated protein 5-10; plus strand). Cytogenetic location: 11q13.4.
Variant type: single nucleotide variant.
Coding change: c.378C>G on transcript NM_001012710.2 (MANE Select); coding-DNA position 378, C replaced by G.
Protein change: p.Ser126=; no amino-acid change (serine 126 retained).
Molecular consequence: synonymous variant.
Genome position (GRCh38, 1-based): chr11:71,565,965, C>G. VCF-style: chr11-71565965-C-G. GRCh37 (hg19) VCF-style: chr11-71277011-C-G.
Identifiers: ClinVar variation 2642107 (VCV002642107.24), dbSNP rs1591160506, ClinGen allele CA475860708.
Genomic context (GRCh38, chr11:71,565,965, plus strand): 5'-TTGTGGGGGCTCCAAGGGGGGCTGTGGCTCCTGTGGGGGCTCCAAAGGTGGCTGTGGTTC[C>G]TGTGGGGGCTCCAAGGGGGGCTGTGGTTCTTGTGGCTGCTCCCAGTGCAATTGCTGTAAG-3'
Protein context (NP_001012728.1, residues 116-136): SCGGSKGGCG[Ser126=]CGGSKGGCGS

ClinVar aggregate classification (germline): Likely benign (1 of 4 stars; one submission).

Submission:

CeGaT Center for Human Genetics Tuebingen
Classification: Likely benign. Last evaluated: 2023-10-01. Review status: criteria provided, single submitter. Criteria: CeGaT Center For Human Genetics Tuebingen Variant Classification Criteria Version 2. Collection method: clinical testing. Allele origin: germline. Affected: yes. Observed: 1 variant allele.
Comment: KRTAP5-10: BP4, BP7